The following is an entry in ClinVar:

ClinVar aggregate classification (germline): Uncertain significance. Review status: criteria provided, multiple submitters, no conflicts (2 of 4 stars). 2 submissions from 2 submitters: Uncertain significance (2). Last evaluated 2024-09-10.

Conditions:
Multiple endocrine neoplasia, type 2 (MEN2). Identifiers: Orphanet 653, MedGen C4048306, MONDO:0019003. Disease mechanism: gain of function.
Hereditary cancer-predisposing syndrome. Also called: Neoplastic Syndromes, Hereditary; Tumor predisposition; Hereditary Cancer Syndrome; Hereditary neoplastic syndrome. Identifiers: Orphanet 140162, MedGen C0027672, MeSH D009386, MONDO:0015356.

gnomAD v4.1: 1 of 1,559,124 alleles (0.000064%); highest among the groups gnomAD compares: Non-Finnish European, 0.000087%; no homozygotes.

Submissions (2):

Ambry Genetics
Classification: Uncertain significance for Hereditary cancer-predisposing syndrome. Last evaluated: 2024-09-10. Review status: criteria provided, single submitter. Criteria: Ambry Variant Classification Scheme 2023. Collection method: clinical testing. Allele origin: germline.
Comment: The p.E542Q variant (also known as c.1624G>C), located in coding exon 8 of the RET gene, results from a G to C substitution at nucleotide position 1624. The glutamic acid at codon 542 is replaced by glutamine, an amino acid with highly similar properties. This amino acid position is conserved. In addition, the in silico prediction for this alteration is inconclusive. Based on the available evidence, the clinical significance of this variant remains unclear.

Labcorp Genetics (formerly Invitae), Labcorp
Classification: Uncertain significance for Multiple endocrine neoplasia, type 2. Last evaluated: 2024-08-19. Review status: criteria provided, single submitter. Criteria: Invitae Variant Classification Sherloc (09022015). Collection method: clinical testing. Allele origin: germline.
Comment: This sequence change replaces glutamic acid, which is acidic and polar, with glutamine, which is neutral and polar, at codon 542 of the RET protein (p.Glu542Gln). This variant is not present in population databases (gnomAD no frequency). This variant has not been reported in the literature in individuals affected with RET-related conditions. An algorithm developed to predict the effect of missense changes on protein structure and function outputs the following: PolyPhen-2: "Benign". The glutamine amino acid residue is found in multiple mammalian species, which suggests that this missense change does not adversely affect protein function. In summary, the available evidence is currently insufficient to determine the role of this variant in disease. Therefore, it has been classified as a Variant of Uncertain Significance.

NM_020975.6(RET):c.1624G>C (p.Glu542Gln)

Gene: RET (ret proto-oncogene; plus strand). Cytogenetic location: 10q11.21.
Variant type: single nucleotide variant.
Coding change: c.1624G>C on transcript NM_020975.6 (MANE Select); coding-DNA position 1624, G replaced by C.
Protein change: p.Glu542Gln; replaces glutamic acid 542 with glutamine.
Molecular consequence: missense variant.
Genome position (GRCh38, 1-based): chr10:43,112,200, G>C. VCF-style: chr10-43112200-G-C. GRCh37 (hg19) VCF-style: chr10-43607648-G-C.
Other names: c.862G>C, p.Glu288Gln (NM_001355216.2); c.1624G>C, p.Glu542Gln (NM_001406743.1, NM_001406744.1, NM_001406759.1 and 4 more transcripts); c.1495G>C, p.Glu499Gln (NM_001406761.1, NM_001406762.1, NM_001406764.1 and 1 more transcripts); c.1336G>C, p.Glu446Gln (NM_001406766.1, NM_001406767.1, NM_001406770.1); c.1228G>C, p.Glu410Gln (NM_001406769.1, NM_001406772.1); c.1186G>C, p.Glu396Gln (NM_001406771.1, NM_001406773.1); c.1099G>C, p.Glu367Gln (NM_001406774.1); c.898G>C, p.Glu300Gln (NM_001406775.1, NM_001406776.1, NM_001406777.1 and 1 more transcripts); and 5 more; short protein forms E200Q, E499Q, E542Q, E59Q, E243Q, E367Q, E446Q, E300Q.
Identifiers: ClinVar variation 3432258 (VCV003432258.3).